The following is an entry in ClinVar:

NM_001384910.1(GUCA1A):c.149C>G (p.Pro50Arg)

Genes: GUCA1A (guanylate cyclase activator 1A; plus strand), GUCA1ANB-GUCA1A (GUCA1ANB-GUCA1A readthrough; plus strand). Cytogenetic location: 6p21.1.
Variant type: single nucleotide variant.
Coding change: c.149C>G on transcript NM_001384910.1 (MANE Select); coding-DNA position 149, C replaced by G.
Protein change: p.Pro50Arg; replaces proline 50 with arginine.
Molecular consequence: missense variant.
Genome position (GRCh38, 1-based): chr6:42,173,762, C>G. VCF-style: chr6-42173762-C-G. GRCh37 (hg19) VCF-style: chr6-42141500-C-G.
Other names: c.149C>G, p.Pro50Arg (NM_000409.5, NM_001319061.2, NM_001319062.2); short protein forms P50R.
Identifiers: ClinVar variation 1450736 (VCV001450736.6), dbSNP rs104893968, ClinGen allele CA3805273.

ClinVar aggregate classification (germline): Uncertain significance (1 of 4 stars; one submission).

gnomAD v4.1: 16 of 1,614,156 alleles (0.00099%); highest among the groups gnomAD compares: African/African-American, 0.0013%; no homozygotes.

Submission:

Labcorp Genetics (formerly Invitae), Labcorp
Classification: Uncertain significance. Last evaluated: 2024-11-13. Review status: criteria provided, single submitter. Criteria: Invitae Variant Classification Sherloc (09022015). Collection method: clinical testing. Allele origin: germline.
Comment: This sequence change replaces proline, which is neutral and non-polar, with arginine, which is basic and polar, at codon 50 of the GUCA1A protein (p.Pro50Arg). This variant is present in population databases (rs104893968, gnomAD 0.0009%). This missense change has been observed in individual(s) with retinal dystrophy (internal data). ClinVar contains an entry for this variant (Variation ID: 1450736). An algorithm developed to predict the effect of missense changes on protein structure and function (PolyPhen-2) suggests that this variant is likely to be disruptive. In summary, the available evidence is currently insufficient to determine the role of this variant in disease. Therefore, it has been classified as a Variant of Uncertain Significance.